The following is an entry in ClinVar:

ClinVar aggregate classification (germline): Uncertain significance (1 of 4 stars; one submission).

Conditions:
Acromelic frontonasal dysostosis (AFND). Identifiers: Orphanet 1827, MedGen C1863616, MONDO:0011359, OMIM 603671.
Neurodevelopmental disorder with movement abnormalities, abnormal gait, and autistic features. Identifiers: MedGen C4693405, MONDO:0060642, OMIM 617865.

Submission:

Juno Genomics, Hangzhou Juno Genomics, Inc
Classification: Uncertain significance for Acromelic frontonasal dysostosis; Neurodevelopmental disorder with movement abnormalities, abnormal gait, and autistic features. Review status: criteria provided, single submitter. Criteria: ACMG Guidelines, 2015. Collection method: clinical testing. Allele origin: germline.
Comment: Absent from controls (or at extremely low frequency if recessive) in Genome Aggregation Database.;Missense variant in a gene that has a low rate of benign missense variation.;De novo (both maternity and paternity confirmed) in a patient with the disease and no family history.

NM_020928.2(ZSWIM6):c.3185A>T (p.Asn1062Ile)

Gene: ZSWIM6 (zinc finger SWIM-type containing 6; plus strand). Cytogenetic location: 5q12.1.
Variant type: single nucleotide variant.
Coding change: c.3185A>T on transcript NM_020928.2 (MANE Select); coding-DNA position 3185, A replaced by T.
Protein change: p.Asn1062Ile; replaces asparagine 1062 with isoleucine.
Molecular consequence: missense variant.
Genome position (GRCh38, 1-based): chr5:61,543,854, A>T. VCF-style: chr5-61543854-A-T. GRCh37 (hg19) VCF-style: chr5-60839681-A-T.
Other names: short protein forms N1062I.
Identifiers: ClinVar variation 5006915 (VCV005006915.2).